The following is an entry in ClinVar:

ClinVar aggregate classification (germline): Uncertain significance (1 of 4 stars; one submission).

Conditions:
Inborn genetic diseases. Identifiers: MedGen C0950123, MeSH D030342.

gnomAD v4.1: 22 of 1,614,174 alleles (0.0014%); highest among the groups gnomAD compares: Non-Finnish European, 0.0018%; no homozygotes.

Submission:

Ambry Genetics
Classification: Uncertain significance for Inborn genetic diseases. Last evaluated: 2026-02-27. Review status: criteria provided, single submitter. Criteria: Ambry Variant Classification Scheme 2023. Collection method: clinical testing. Allele origin: germline.
Comment: The p.Q219R variant (also known as c.656A>G), located in coding exon 5 of the ETV6 gene, results from an A to G substitution at nucleotide position 656. The glutamine at codon 219 is replaced by arginine, an amino acid with highly similar properties. This amino acid position is conserved. In addition, this alteration is predicted to be tolerated by in silico analysis. Based on the available evidence, the clinical significance of this variant remains unclear.

NM_001987.5(ETV6):c.656A>G (p.Gln219Arg)

Gene: ETV6 (ETS variant transcription factor 6; plus strand). Cytogenetic location: 12p13.2.
Variant type: single nucleotide variant.
Coding change: c.656A>G on transcript NM_001987.5 (MANE Select); coding-DNA position 656, A replaced by G.
Protein change: p.Gln219Arg; replaces glutamine 219 with arginine.
Molecular consequence: missense variant.
Genome position (GRCh38, 1-based): chr12:11,869,616, A>G. VCF-style: chr12-11869616-A-G. GRCh37 (hg19) VCF-style: chr12-12022550-A-G.
Other names: c.653A>G, p.Gln218Arg (NM_001413913.1); c.629A>G, p.Gln210Arg (NM_001413914.1); c.392A>G, p.Gln131Arg (NM_001413915.1); c.656A>G, p.Gln219Arg (NM_001413916.1, NM_001413917.1); short protein forms Q210R, Q218R, Q131R, Q219R.
Identifiers: ClinVar variation 4826546 (VCV004826546.1).
Genomic context (GRCh38, chr12:11,869,616, plus strand): 5'-GGCCCCTCCGGTCCCCCCTGGACAACATGATCCGCCGCCTCTCCCCGGCTGAGAGAGCTC[A>G]GGGACCCAGGCCGCACCAGGAGAACAACCACCAGGAGTCCTACCCTCTGTCAGTGTCTCC-3'
Protein context (NP_001978.1, residues 209-229): IRRLSPAERA[Gln219Arg]GPRPHQENNH